The following is an entry in ClinVar:

ClinVar aggregate classification (germline): Uncertain significance (1 of 4 stars; one submission).

Allele frequency attached by ClinVar (database versions not stated): 1000 Genomes Project 0.00040; ESP Exome Variant Server 0.00046; 1000 Genomes Project 30x 0.00047.

Submission:

Labcorp Genetics (formerly Invitae), Labcorp
Classification: Uncertain significance. Last evaluated: 2024-05-09. Review status: criteria provided, single submitter. Criteria: Invitae Variant Classification Sherloc (09022015). Collection method: clinical testing. Allele origin: germline.
Comment: This sequence change replaces glutamine, which is neutral and polar, with histidine, which is basic and polar, at codon 181 of the STUB1 protein (p.Gln181His). This variant is present in population databases (rs144127842, gnomAD 0.09%). This variant has not been reported in the literature in individuals affected with STUB1-related conditions. ClinVar contains an entry for this variant (Variation ID: 2045145). Advanced modeling of protein sequence and biophysical properties (such as structural, functional, and spatial information, amino acid conservation, physicochemical variation, residue mobility, and thermodynamic stability) performed at Invitae indicates that this missense variant is not expected to disrupt STUB1 protein function with a negative predictive value of 80%. In summary, the available evidence is currently insufficient to determine the role of this variant in disease. Therefore, it has been classified as a Variant of Uncertain Significance.

NM_005861.4(STUB1):c.543G>T (p.Gln181His)

Genes: JMJD8 (jumonji domain containing 8; minus strand), STUB1 (STIP1 homology and U-box containing protein 1; plus strand). Cytogenetic location: 16p13.3.
Variant type: single nucleotide variant.
Coding change: c.543G>T on transcript NM_005861.4 (MANE Select); coding-DNA position 543, G replaced by T.
Protein change: p.Gln181His; replaces glutamine 181 with histidine.
Molecular consequence: missense variant. On other transcripts: 3 prime UTR variant (5), non-coding transcript variant (3).
Genome position (GRCh38, 1-based): chr16:681,811, G>T. VCF-style: chr16-681811-G-T. GRCh37 (hg19) VCF-style: chr16-731811-G-T.
Other names: c.327G>T, p.Gln109His (NM_001293197.2); c.*983C>A (NM_001005920.4, NM_001323919.3, NM_001323920.3); c.*1017C>A (NM_001323918.3, NM_001323922.3); short protein forms Q109H, Q181H.
Identifiers: ClinVar variation 2045145 (VCV002045145.4), dbSNP rs144127842, ClinGen allele CA7786655.
Genomic context (GRCh38, chr16:681,811, plus strand): 5'-CTGGCCAGGTCCATCTCTGACCGGCTCCTGGTCAACCCCCAGGGAGCTGGAAGAGTGCCA[G>T]CGAAACCACGAGGGTGATGAGGACGACAGCCACGTCCGGGCCCAGCAGGCCTGCATTGAG-3'
Protein context (NP_005852.2, residues 171-191): AERERELEEC[Gln181His]RNHEGDEDDS